The following is an entry in ClinVar:

NM_000407.5(GP1BB):c.544G>T (p.Ala182Ser)

Genes: GP1BB (glycoprotein Ib platelet subunit beta; plus strand), SEPT5-GP1BB (SEPT5-GP1BB readthrough; plus strand). Cytogenetic location: 22q11.21.
Variant type: single nucleotide variant.
Coding change: c.544G>T on transcript NM_000407.5 (MANE Select); coding-DNA position 544, G replaced by T.
Protein change: p.Ala182Ser; replaces alanine 182 with serine.
Molecular consequence: missense variant. On other transcripts: non-coding transcript variant (2).
Genome position (GRCh38, 1-based): chr22:19,724,387, G>T. VCF-style: chr22-19724387-G-T. GRCh37 (hg19) VCF-style: chr22-19711910-G-T.
Other names: NM_000407.5(GP1BB):c.544G>T; p.Ala182Ser; short protein forms A182S.
Identifiers: ClinVar variation 721649 (VCV000721649.13), dbSNP rs542853528, ClinGen allele CA322080121.

ClinVar aggregate classification (germline): Benign. Review status: reviewed by expert panel (3 of 4 stars). 4 submissions from 4 submitters: Benign (1). 3 of the submissions do not count toward it. Last evaluated 2025-02-11.

Conditions:
Bernard Soulier syndrome (BSS). Also called: Giant platelet syndrome; Hemorrhagiparous thrombocytic dystrophy; Giant platelet disease; VON WILLEBRAND FACTOR RECEPTOR DEFICIENCY; Platelet Glycoprotein 1b, Deficiency of; BLEEDING DISORDER, PLATELET-TYPE, 1. Identifiers: Orphanet 274, MedGen C0005129, MeSH D001606, MONDO:0009276, OMIM 231200.

Allele frequency attached by ClinVar (database versions not stated): TOPMed 0.00109; 1000 Genomes Project 30x 0.00187; 1000 Genomes Project 0.00220.

Submissions (4):

ClinGen Platelet Disorders Variant Curation Expert Panel, ClinGen
Classification: Benign for Bernard Soulier syndrome. Last evaluated: 2025-02-11. Review status: reviewed by expert panel. Criteria: ClinGen Platelet ACMG Specifications GP1BB V1.0.0. Collection method: curation. Allele origin: germline. Inheritance: Autosomal recessive inheritance.
Comment: The c.544G>T variant in GP1BB is a missense variant predicted to cause substitution of Alanine by Serine at amino acid 182 (p.Ala182Ser). The Grpmax Filtering allele frequency in gnomAD v4.1 is 0.003260 (based on 259/71488alleles) in the African/African American population, which is higher than the ClinGen PD VCEP threshold (>0.001), and therefore meets this criterion (BA1). The computational predictor REVEL gives a score of 0.149, which is below the ClinGen PD VCEP threshold of <0.290 and predicts no damaging effect on GP1BB function and SpliceAI predicts no effect on splicing (delta scores 0.00) (BP4). In summary, this variant meets the criteria to be classified as Benign for autosomal recessive Bernard-Soulier syndrome based on the ACMG/AMP criteria applied, as specified by the ClinGen PD-VCEP: BA1 and BP4 (VCEP specifications version 1).

Women's Health and Genetics/Laboratory Corporation of America, LabCorp
Classification: Uncertain significance. Last evaluated: 2023-11-18. Review status: criteria provided, single submitter. Criteria: LabCorp Variant Classification Summary - May 2015. Collection method: clinical testing. Allele origin: germline. Not counted in ClinVar's aggregate classification.
Comment: Variant summary: GP1BB c.544G>T (p.Ala182Ser) results in a conservative amino acid change in the encoded protein sequence. Five of five in-silico tools predict a benign effect of the variant on protein function. The variant allele was found at a frequency of 0.0003 in 132986 control chromosomes. To our knowledge, no occurrence of c.544G>T in individuals affected with Bernard Soulier Syndrome and no experimental evidence demonstrating its impact on protein function have been reported. One submitter has cited clinical-significance assessments for this variant to ClinVar after 2014 and has classified the variant as uncertain significance. Based on the evidence outlined above, the variant was classified as uncertain significance.

Labcorp Genetics (formerly Invitae), Labcorp
Classification: Uncertain significance. Last evaluated: 2019-05-09. Review status: criteria provided, single submitter. Criteria: Invitae Variant Classification Sherloc (09022015). Collection method: clinical testing. Allele origin: germline. Not counted in ClinVar's aggregate classification.
Comment: While this variant is not present in population databases, the frequency information is unreliable, as metrics indicate poor data quality at this position in the ExAC database. In summary, the available evidence is currently insufficient to determine the role of this variant in disease. Therefore, it has been classified as a Variant of Uncertain Significance. This variant has not been reported in the literature in individuals with GP1BB-related disease. This sequence change replaces alanine with serine at codon 182 of the GP1BB protein (p.Ala182Ser). The alanine residue is moderately conserved and there is a moderate physicochemical difference between alanine and serine.

Department of Pathology and Laboratory Medicine, Sinai Health System
Classification: Uncertain significance. Review status: no assertion criteria provided. Collection method: clinical testing. Allele origin: unknown. Affected: yes. Study: The Canadian Open Genetics Repository (COGR). Not counted in ClinVar's aggregate classification.
Comment: The GP1BB p.Ala182Ser variant was not identified in the literature nor was it identified in LOVD 3.0. The variant was identified in dbSNP (ID: rs542853528) and ClinVar (classified as likely benign by Invitae). The variant was identified in control databases in 66 of 164118 chromosomes at a frequency of 0.0004021 (Genome Aggregation Database March 6, 2019, v2.1.1). The variant was observed in the following populations: African in 50 of 13512 chromosomes (freq: 0.0037) and Latino in 16 of 24224 chromosomes (freq: 0.000661), but was not observed in the Ashkenazi Jewish, East Asian, European (Finnish), European (non-Finnish), Other, and South Asian populations. The p.Ala182 residue is conserved in mammals however four of five computational analyses (PolyPhen-2, SIFT, AlignGVGD, BLOSUM, MutationTaster) do not suggest a high likelihood of impact to the protein. The variant occurs outside of the splicing consensus sequence and in silico or computational prediction software programs (SpliceSiteFinder, MaxEntScan, NNSPLICE, GeneSplicer) do not predict a difference in splicing. In summary, based on the above information the clinical significance of this variant cannot be determined with certainty at this time. This variant is classified as a variant of uncertain significance.